The following is an entry in ClinVar:

ClinVar aggregate classification (germline): Uncertain significance (1 of 4 stars; one submission).

Submission:

GeneDx
Classification: Uncertain significance. Last evaluated: 2019-05-04. Review status: criteria provided, single submitter. Criteria: GeneDx Variant Classification Process June 2021. Collection method: clinical testing. Allele origin: germline. Affected: yes.
Comment: Has not been previously published as pathogenic or benign to our knowledge; Not observed in large population cohorts (Lek et al., 2016); In silico analysis, which includes protein predictors and evolutionary conservation, supports a deleterious effect

NM_001458.5(FLNC):c.4624G>C (p.Val1542Leu)

Gene: FLNC (filamin C; plus strand). Cytogenetic location: 7q32.1.
Variant type: single nucleotide variant.
Coding change: c.4624G>C on transcript NM_001458.5 (MANE Select); coding-DNA position 4624, G replaced by C.
Protein change: p.Val1542Leu; replaces valine 1542 with leucine.
Molecular consequence: missense variant.
Genome position (GRCh38, 1-based): chr7:128,848,604, G>C. VCF-style: chr7-128848604-G-C. GRCh37 (hg19) VCF-style: chr7-128488658-G-C.
Other names: c.4624G>C, p.Val1542Leu (NM_001127487.2); short protein forms V1542L.
Identifiers: ClinVar variation 1305693 (VCV001305693.2), dbSNP rs2128937526, ClinGen allele CA369202167.